The following is an entry in ClinVar:

NM_133259.4(LRPPRC):c.1936G>T (p.Val646Phe)

Gene: LRPPRC (leucine rich pentatricopeptide repeat containing; minus strand). Cytogenetic location: 2p21.
Variant type: single nucleotide variant.
Coding change: c.1936G>T on transcript NM_133259.4 (MANE Select); coding-DNA position 1936, G replaced by T.
Protein change: p.Val646Phe; replaces valine 646 with phenylalanine.
Molecular consequence: missense variant.
Genome position (GRCh38, 1-based): chr2:43,947,760, C>A on the plus strand (G>T on the coding strand, the complement: LRPPRC is on the minus strand). VCF-style: chr2-43947760-C-A. GRCh37 (hg19) VCF-style: chr2-44174899-C-A.
Other names: short protein forms V646F.
Identifiers: ClinVar variation 1694954 (VCV001694954.31), dbSNP rs752968314, ClinGen allele CA1638660.
Genomic context (GRCh38, chr2:43,947,760, plus strand): 5'-GCATGTAGAATCTAGTCAAAATCCTACTTACTTTTTGAAAGTCTAAATTCTTACTCTCAA[C>A]CAACAAGTGAGCATCCTAAAATTGAAATTTAAATTAGCCCAGAATTAGAAAACACACGTA-3'
Protein context (NP_573566.2, residues 636-656): PELIKDAHLL[Val646Phe]ESKNLDFQKT

ClinVar aggregate classification (germline): Uncertain significance (1 of 4 stars; one submission).

Allele frequency attached by ClinVar (database versions not stated): gnomAD exomes below 0.00001; TOPMed below 0.00001; ExAC 0.00001.
gnomAD v4.1: 1 of 1,589,426 alleles (0.000063%); highest among the groups gnomAD compares: Non-Finnish European, 0.000086%; no homozygotes.

Submission:

CeGaT Center for Human Genetics Tuebingen
Classification: Uncertain significance. Last evaluated: 2022-05-01. Review status: criteria provided, single submitter. Criteria: CeGaT Center For Human Genetics Tuebingen Variant Classification Criteria Version 2. Collection method: clinical testing. Allele origin: germline. Affected: yes. Observed: 1 variant allele.
Comment: LRPPRC: PM2, BP4